The following is an entry in ClinVar:

ClinVar aggregate classification (germline): Uncertain significance (1 of 4 stars; one submission).

Submission:

GeneDx
Classification: Uncertain significance. Last evaluated: 2024-04-04. Review status: criteria provided, single submitter. Criteria: GeneDx Variant Classification Process June 2021. Collection method: clinical testing. Allele origin: germline. Affected: yes.
Comment: Not observed at significant frequency in large population cohorts (gnomAD); Frameshift variant predicted to result in abnormal protein length as the last 540 amino acids are replaced with 1 different amino acid; Has not been previously published as pathogenic or benign to our knowledge

NM_021964.3(ZNF148):c.762_766del (p.Tyr255fs)

Gene: ZNF148 (zinc finger protein 148; minus strand). Cytogenetic location: 3q21.2.
Variant type: Deletion.
Coding change: c.762_766del on transcript NM_021964.3 (MANE Select); coding-DNA positions 762 to 766, 5 bases deleted (TTACC; older notation c.762_766delTTACC).
Protein change: p.Tyr255fs; shifts the reading frame from tyrosine 255.
Molecular consequence: frameshift variant.
Genome position (GRCh38, 1-based): chr3:125,234,231-125,234,235, GGTAA deleted on the plus strand (TTACC on the coding strand, the reverse complement: ZNF148 is on the minus strand); deleting any 5 consecutive bases within chr3:125,234,231-125,234,238 gives the same sequence; the c. name uses the placement nearest the transcript's 3' end. VCF-style (leftmost placement, unchanged base first): chr3-125234230-TGGTAA-T. GRCh37 (hg19) VCF-style: chr3-124953074-TGGTAA-T.
Other names: c.762_766del, p.Tyr255fs (NM_001348424.1, NM_001348425.2, NM_001348426.2 and 7 more transcripts); c.636_640del, p.Tyr213fs (NM_001348434.2); short protein forms Y213fs, Y255fs.
Identifiers: ClinVar variation 3372119 (VCV003372119.1).